The following is an entry in ClinVar:

ClinVar aggregate classification (germline): Uncertain significance (1 of 4 stars; one submission).

gnomAD v4.1: 5 of 1,116,598 alleles (0.00045%); highest among the groups gnomAD compares: Non-Finnish European, 0.00054%; no homozygotes.

Submission:

Labcorp Genetics (formerly Invitae), Labcorp
Classification: Uncertain significance. Last evaluated: 2024-11-05. Review status: criteria provided, single submitter. Criteria: Invitae Variant Classification Sherloc (09022015). Collection method: clinical testing. Allele origin: germline.
Comment: This sequence change replaces arginine, which is basic and polar, with cysteine, which is neutral and slightly polar, at codon 66 of the ADAMTS17 protein (p.Arg66Cys). The frequency data for this variant in the population databases is considered unreliable, as metrics indicate insufficient coverage at this position in the gnomAD database. This variant has not been reported in the literature in individuals affected with ADAMTS17-related conditions. ClinVar contains an entry for this variant (Variation ID: 1356481). An algorithm developed to predict the effect of missense changes on protein structure and function (PolyPhen-2) suggests that this variant is likely to be disruptive. In summary, the available evidence is currently insufficient to determine the role of this variant in disease. Therefore, it has been classified as a Variant of Uncertain Significance.

NM_139057.4(ADAMTS17):c.196C>T (p.Arg66Cys)

Gene: ADAMTS17 (ADAM metallopeptidase with thrombospondin type 1 motif 17; minus strand). Cytogenetic location: 15q26.3.
Variant type: single nucleotide variant.
Coding change: c.196C>T on transcript NM_139057.4 (MANE Select); coding-DNA position 196, C replaced by T.
Protein change: p.Arg66Cys; replaces arginine 66 with cysteine.
Molecular consequence: missense variant.
Genome position (GRCh38, 1-based): chr15:100,341,293, G>A on the plus strand (C>T on the coding strand, the complement: ADAMTS17 is on the minus strand). VCF-style: chr15-100341293-G-A. GRCh37 (hg19) VCF-style: chr15-100881498-G-A.
Other names: short protein forms R66C.
Identifiers: ClinVar variation 1356481 (VCV001356481.8), dbSNP rs2141998357, ClinGen allele CA394525467.